The following is an entry in ClinVar:

ClinVar aggregate classification (germline): Uncertain significance (1 of 4 stars; one submission).

Submission:

Labcorp Genetics (formerly Invitae), Labcorp
Classification: Uncertain significance. Last evaluated: 2024-03-23. Review status: criteria provided, single submitter. Criteria: Invitae Variant Classification Sherloc (09022015). Collection method: clinical testing. Allele origin: germline.
Comment: This sequence change replaces cysteine, which is neutral and slightly polar, with phenylalanine, which is neutral and non-polar, at codon 130 of the SERPING1 protein (p.Cys130Phe). This variant is not present in population databases (gnomAD no frequency). This variant has not been reported in the literature in individuals affected with SERPING1-related conditions. Advanced modeling of protein sequence and biophysical properties (such as structural, functional, and spatial information, amino acid conservation, physicochemical variation, residue mobility, and thermodynamic stability) has been performed at Invitae for this missense variant, however the output from this modeling did not meet the statistical confidence thresholds required to predict the impact of this variant on SERPING1 protein function. In summary, the available evidence is currently insufficient to determine the role of this variant in disease. Therefore, it has been classified as a Variant of Uncertain Significance.

NM_000062.3(SERPING1):c.389G>T (p.Cys130Phe)

Gene: SERPING1 (serpin family G member 1; plus strand). Cytogenetic location: 11q12.1.
Variant type: single nucleotide variant.
Coding change: c.389G>T on transcript NM_000062.3 (MANE Select); coding-DNA position 389, G replaced by T.
Protein change: p.Cys130Phe; replaces cysteine 130 with phenylalanine.
Molecular consequence: missense variant.
Genome position (GRCh38, 1-based): chr11:57,600,216, G>T. VCF-style: chr11-57600216-G-T. GRCh37 (hg19) VCF-style: chr11-57367689-G-T.
Other names: c.389G>T, p.Cys130Phe (NM_001032295.2); short protein forms C130F.
Identifiers: ClinVar variation 3647365 (VCV003647365.2).